The following is an entry in ClinVar:

NM_000038.6(APC):c.5903C>G (p.Ser1968Cys)

Gene: APC (APC regulator of Wnt signaling pathway; plus strand). Cytogenetic location: 5q22.2.
Variant type: single nucleotide variant.
Coding change: c.5903C>G on transcript NM_000038.6 (MANE Select); coding-DNA position 5903, C replaced by G.
Protein change: p.Ser1968Cys; replaces serine 1968 with cysteine.
Molecular consequence: missense variant.
Genome position (GRCh38, 1-based): chr5:112,841,497, C>G. VCF-style: chr5-112841497-C-G. GRCh37 (hg19) VCF-style: chr5-112177194-C-G.
Other names: c.5903C>G, p.Ser1968Cys (NM_001127510.3, NM_001354895.2); c.5849C>G, p.Ser1950Cys (NM_001127511.3); c.5957C>G, p.Ser1986Cys (NM_001354896.2); c.5933C>G, p.Ser1978Cys (NM_001354897.2); c.5828C>G, p.Ser1943Cys (NM_001354898.2); c.5819C>G, p.Ser1940Cys (NM_001354899.2); c.5780C>G, p.Ser1927Cys (NM_001354900.2); c.5726C>G, p.Ser1909Cys (NM_001354901.2); and 6 more; short protein forms S1877C, S1867C, S1909C, S1943C, S1950C, S1978C, S1685C, S1842C.
Identifiers: ClinVar variation 1368705 (VCV001368705.11), dbSNP rs760596580, ClinGen allele CA16034250.

ClinVar aggregate classification (germline): Uncertain significance. Review status: criteria provided, multiple submitters, no conflicts (2 of 4 stars). 3 submissions from 3 submitters: Uncertain significance (3). Last evaluated 2026-07-07.

Conditions:
Hereditary cancer-predisposing syndrome. Also called: Hereditary Cancer Syndrome; Neoplastic Syndromes, Hereditary; Hereditary neoplastic syndrome; Tumor predisposition. Identifiers: Orphanet 140162, MedGen C0027672, MeSH D009386, MONDO:0015356.
Familial adenomatous polyposis 1 (FAP1). Also called: FAMILIAL ADENOMATOUS POLYPOSIS 1, ATTENUATED; POLYPOSIS, ADENOMATOUS INTESTINAL. Identifiers: MedGen C2713442, MONDO:0021056, OMIM 175100. Disease mechanism: loss of function.

Submissions (3):

Ambry Genetics
Classification: Uncertain significance for Hereditary cancer-predisposing syndrome. Last evaluated: 2026-07-07. Review status: criteria provided, single submitter. Criteria: Ambry Variant Classification Scheme 2023. Collection method: clinical testing. Allele origin: germline.
Comment: The p.S1968C variant (also known as c.5903C>G), located in coding exon 15 of the APC gene, results from a C to G substitution at nucleotide position 5903. The serine at codon 1968 is replaced by cysteine, an amino acid with dissimilar properties. This amino acid position is conserved. In addition, in silico predictors for this gene do not accurately predict pathogenicity. Based on the available evidence, the clinical significance of this variant remains unclear.

Labcorp Genetics (formerly Invitae), Labcorp
Classification: Uncertain significance for Familial adenomatous polyposis 1. Last evaluated: 2023-05-20. Review status: criteria provided, single submitter. Criteria: Invitae Variant Classification Sherloc (09022015). Collection method: clinical testing. Allele origin: germline.
Comment: In summary, the available evidence is currently insufficient to determine the role of this variant in disease. Therefore, it has been classified as a Variant of Uncertain Significance. Advanced modeling of protein sequence and biophysical properties (such as structural, functional, and spatial information, amino acid conservation, physicochemical variation, residue mobility, and thermodynamic stability) performed at Invitae indicates that this missense variant is not expected to disrupt APC protein function. ClinVar contains an entry for this variant (Variation ID: 1368705). This variant has not been reported in the literature in individuals affected with APC-related conditions. This variant is not present in population databases (gnomAD no frequency). This sequence change replaces serine, which is neutral and polar, with cysteine, which is neutral and slightly polar, at codon 1968 of the APC protein (p.Ser1968Cys).

Color Diagnostics, LLC DBA Color Health
Classification: Uncertain significance for Hereditary cancer-predisposing syndrome. Last evaluated: 2021-08-04. Review status: criteria provided, single submitter. Criteria: ACMG Guidelines, 2015. Collection method: clinical testing. Allele origin: germline.
Comment: This missense variant replaces serine with cysteine at codon 1968 of the APC protein. Computational prediction suggests that this variant may have deleterious impact on protein structure and function (internally defined REVEL score threshold >= 0.7, PMID: 27666373). To our knowledge, functional studies have not been reported for this variant. This variant has not been reported in individuals affected with hereditary cancer in the literature. This variant has not been identified in the general population by the Genome Aggregation Database (gnomAD). The available evidence is insufficient to determine the role of this variant in disease conclusively. Therefore, this variant is classified as a Variant of Uncertain Significance.